The following is an entry in ClinVar:

NM_015910.7(WDPCP):c.838G>C (p.Val280Leu)

Gene: WDPCP (WD repeat containing planar cell polarity effector; minus strand). Cytogenetic location: 2p15.
Variant type: single nucleotide variant.
Coding change: c.838G>C on transcript NM_015910.7 (MANE Select); coding-DNA position 838, G replaced by C.
Protein change: p.Val280Leu; replaces valine 280 with leucine.
Molecular consequence: missense variant. On other transcripts: non-coding transcript variant (3).
Genome position (GRCh38, 1-based): chr2:63,404,645, C>G on the plus strand (G>C on the coding strand, the complement: WDPCP is on the minus strand). VCF-style: chr2-63404645-C-G. GRCh37 (hg19) VCF-style: chr2-63631780-C-G.
Other names: c.361G>C, p.Val121Leu (NM_001042692.3); c.766G>C, p.Val256Leu (NM_001354044.2); c.838G>C, p.Val280Leu (NM_001354045.2); short protein forms V121L, V256L, V280L.
Identifiers: ClinVar variation 3344335 (VCV003344335.1).

ClinVar aggregate classification (germline): Uncertain significance (0 of 4 stars; one submission).

Conditions:
WDPCP-related disorder. Also called: WDPCP-related condition.

gnomAD v4.1: 3 of 1,613,922 alleles (0.00019%); highest among the groups gnomAD compares: Non-Finnish European, 0.00025%; no homozygotes.

Submission:

PreventionGenetics, part of Exact Sciences
Classification: Uncertain significance for WDPCP-related condition. Last evaluated: 2024-09-04. Review status: no assertion criteria provided. Collection method: clinical testing. Allele origin: germline.
Comment: The WDPCP c.838G>C variant is predicted to result in the amino acid substitution p.Val280Leu. To our knowledge, this variant has not been reported in the literature. This variant is reported in 0.0065% of alleles in individuals of European (Non-Finnish) descent in gnomAD. At this time, the clinical significance of this variant is uncertain due to the absence of conclusive functional and genetic evidence.